The following is an entry in ClinVar:

NM_003238.6(TGFB2):c.444G>T (p.Glu148Asp)

Gene: TGFB2 (transforming growth factor beta 2; plus strand). Cytogenetic location: 1q41.
Variant type: single nucleotide variant.
Coding change: c.444G>T on transcript NM_003238.6 (MANE Select); coding-DNA position 444, G replaced by T.
Protein change: p.Glu148Asp; replaces glutamic acid 148 with aspartic acid.
Molecular consequence: missense variant. On other transcripts: non-coding transcript variant (2).
Genome position (GRCh38, 1-based): chr1:218,405,266, G>T. VCF-style: chr1-218405266-G-T. GRCh37 (hg19) VCF-style: chr1-218578608-G-T.
Other names: c.528G>T, p.Glu176Asp (NM_001135599.4); short protein forms E148D, E176D.
Identifiers: ClinVar variation 2756608 (VCV002756608.3), dbSNP rs2464757962, ClinGen allele CA344726181.

ClinVar aggregate classification (germline): Uncertain significance (1 of 4 stars; one submission).

Conditions:
Loeys-Dietz syndrome 4 (LDS4). Also called: ANEURYSM, AORTIC AND CEREBRAL, WITH ARTERIAL TORTUOSITY AND SKELETAL MANIFESTATIONS; TGFB2-Related Loeys-Dietz Syndrome. Identifiers: MedGen C3553762, MONDO:0013897, OMIM 614816.

Submission:

Labcorp Genetics (formerly Invitae), Labcorp
Classification: Uncertain significance for Loeys-Dietz syndrome 4. Last evaluated: 2023-12-11. Review status: criteria provided, single submitter. Criteria: Invitae Variant Classification Sherloc (09022015). Collection method: clinical testing. Allele origin: germline.
Comment: This sequence change replaces glutamic acid, which is acidic and polar, with aspartic acid, which is acidic and polar, at codon 148 of the TGFB2 protein (p.Glu148Asp). This variant is not present in population databases (gnomAD no frequency). This variant has not been reported in the literature in individuals affected with TGFB2-related conditions. Advanced modeling of protein sequence and biophysical properties (such as structural, functional, and spatial information, amino acid conservation, physicochemical variation, residue mobility, and thermodynamic stability) performed at Invitae indicates that this missense variant is not expected to disrupt TGFB2 protein function with a negative predictive value of 80%. In summary, the available evidence is currently insufficient to determine the role of this variant in disease. Therefore, it has been classified as a Variant of Uncertain Significance.